The following is an entry in ClinVar:

ClinVar aggregate classification (germline): Uncertain significance (1 of 4 stars; one submission).

Conditions:
Hereditary cancer-predisposing syndrome. Also called: Neoplastic Syndromes, Hereditary; Tumor predisposition; Hereditary neoplastic syndrome; Hereditary Cancer Syndrome. Identifiers: Orphanet 140162, MedGen C0027672, MeSH D009386, MONDO:0015356.

Submission:

Ambry Genetics
Classification: Uncertain significance for Hereditary cancer-predisposing syndrome. Last evaluated: 2026-09-06. Review status: criteria provided, single submitter. Criteria: Ambry Variant Classification Scheme 2023. Collection method: clinical testing. Allele origin: germline.
Comment: The p.R521L variant (also known as c.1562G>T), located in coding exon 8 of the SMARCA4 gene, results from a G to T substitution at nucleotide position 1562. The arginine at codon 521 is replaced by leucine, an amino acid with dissimilar properties. This amino acid position is conserved. In addition, the in silico prediction for this alteration is inconclusive. Based on the available evidence, the clinical significance of this variant remains unclear.

NM_003072.5(SMARCA4):c.1562G>T (p.Arg521Leu)

Gene: SMARCA4 (SWI/SNF related BAF chromatin remodeling complex subunit ATPase 4; plus strand). Cytogenetic location: 19p13.2.
Variant type: single nucleotide variant.
Coding change: c.1562G>T on transcript NM_003072.5 (MANE Select); coding-DNA position 1562, G replaced by T.
Protein change: p.Arg521Leu; replaces arginine 521 with leucine.
Molecular consequence: missense variant. On other transcripts: non-coding transcript variant (1).
Genome position (GRCh38, 1-based): chr19:10,994,970, G>T. VCF-style: chr19-10994970-G-T. GRCh37 (hg19) VCF-style: chr19-11105646-G-T.
Other names: c.1562G>T, p.Arg521Leu (NM_001128844.3, NM_001128845.2, NM_001128846.2 and 6 more transcripts); short protein forms R521L.
Identifiers: ClinVar variation 5029898 (VCV005029898.1).